The following is an entry in ClinVar:

ClinVar aggregate classification (germline): Uncertain significance. Review status: criteria provided, multiple submitters, no conflicts (2 of 4 stars). 3 submissions from 3 submitters: Uncertain significance (3). Last evaluated 2024-11-24.

Conditions:
Inborn genetic diseases. Identifiers: MedGen C0950123, MeSH D030342.
Leydig cell agenesis. Also called: Leydig cell hypoplasia, type 1; HYPERGONADOTROPIC HYPOGONADISM, MALE, DUE TO LHCGR DEFECT; LEYDIG CELL HYPOPLASIA WITH MALE PSEUDOHERMAPHRODITISM; LEYDIG CELL HYPOPLASIA, COMPLETE. Identifiers: MedGen C0266432, MONDO:0009384, OMIM 238320.

gnomAD v4.1: 13 of 1,613,940 alleles (0.00081%); highest among the groups gnomAD compares: Admixed American, 0.018%; no homozygotes.

Submissions (3):

Ambry Genetics
Classification: Uncertain significance for Inborn genetic diseases. Last evaluated: 2024-11-24. Review status: criteria provided, single submitter. Criteria: Ambry Variant Classification Scheme 2023. Collection method: clinical testing. Allele origin: germline.

Blueprint Genetics
Classification: Uncertain significance. Last evaluated: 2022-08-30. Review status: criteria provided, single submitter. Criteria: ACMG Guidelines, 2015. Collection method: clinical testing. Allele origin: germline.

Labcorp Genetics (formerly Invitae), Labcorp
Classification: Uncertain significance. Last evaluated: 2022-07-01. Review status: criteria provided, single submitter. Criteria: Invitae Variant Classification Sherloc (09022015). Collection method: clinical testing. Allele origin: germline.
Comment: In summary, the available evidence is currently insufficient to determine the role of this variant in disease. Therefore, it has been classified as a Variant of Uncertain Significance. Advanced modeling of protein sequence and biophysical properties (such as structural, functional, and spatial information, amino acid conservation, physicochemical variation, residue mobility, and thermodynamic stability) performed at Invitae indicates that this missense variant is not expected to disrupt LHCGR protein function. This variant has not been reported in the literature in individuals affected with LHCGR-related conditions. This variant is present in population databases (no rsID available, gnomAD 0.01%). This sequence change replaces alanine, which is neutral and non-polar, with aspartic acid, which is acidic and polar, at codon 344 of the LHCGR protein (p.Ala344Asp).

NM_000233.4(LHCGR):c.1031C>A (p.Ala344Asp)

Genes: LHCGR (luteinizing hormone/choriogonadotropin receptor; minus strand), STON1-GTF2A1L (STON1-GTF2A1L readthrough; plus strand). Cytogenetic location: 2p16.3.
Variant type: single nucleotide variant.
Coding change: c.1031C>A on transcript NM_000233.4 (MANE Select); coding-DNA position 1031, C replaced by A.
Protein change: p.Ala344Asp; replaces alanine 344 with aspartic acid.
Molecular consequence: missense variant. On other transcripts: intron variant (1).
Genome position (GRCh38, 1-based): chr2:48,688,766, G>T on the plus strand (C>A on the coding strand, the complement: LHCGR is on the minus strand). VCF-style: chr2-48688766-G-T. GRCh37 (hg19) VCF-style: chr2-48915905-G-T.
Other names: c.3441+17086G>T (NM_001198593.2); c.1031C>A (NM_000233.3); short protein forms A344D.
Identifiers: ClinVar variation 1960776 (VCV001960776.8), dbSNP rs370010927, ClinGen allele CA346750068.
Genomic context (GRCh38, chr2:48,688,766, plus strand): 5'-ACCCTAAGGAAGTCATAGCCCATAATATCTTCACAGGGATTAAAAGCATCTGGTTCAGGA[G>T]CACATCGGGGTGTCTTGGGTAAGCAGAAACCATATTCATAGTCCCAGCCACTCAGTTCAC-3'
Protein context (NP_000224.2, residues 334-354): GFCLPKTPRC[Ala344Asp]PEPDAFNPCE